The following is an entry in ClinVar:

ClinVar aggregate classification (germline): Benign/Likely benign. Review status: criteria provided, multiple submitters, no conflicts (2 of 4 stars). 4 submissions from 4 submitters: Benign (1); Likely benign (2). 1 of the submissions does not count toward it. Last evaluated 2025-12-21.

Conditions:
Inborn genetic diseases. Identifiers: MedGen C0950123, MeSH D030342.
RAI1-related disorder. Also called: RAI1-related condition.

Allele frequency attached by ClinVar (database versions not stated): gnomAD 0.00001; gnomAD exomes 0.00002 and 0.00009; TOPMed 0.00006; ESP Exome Variant Server 0.00008; ExAC 0.00012.
gnomAD v4.1: 38 of 1,613,978 alleles (0.0024%); highest among the groups gnomAD compares: Admixed American, 0.042%; no homozygotes.

Submissions (4):

Labcorp Genetics (formerly Invitae), Labcorp
Classification: Likely benign. Last evaluated: 2025-12-21. Review status: criteria provided, single submitter. Criteria: Invitae Variant Classification Sherloc (09022015). Collection method: clinical testing. Allele origin: germline.

Blueprint Genetics
Classification: Benign. Last evaluated: 2024-03-05. Review status: criteria provided, single submitter. Criteria: ACMG Guidelines, 2015. Collection method: clinical testing. Allele origin: germline.

Ambry Genetics
Classification: Likely benign for Inborn genetic diseases. Last evaluated: 2021-08-23. Review status: criteria provided, single submitter. Criteria: Ambry Variant Classification Scheme 2023. Collection method: clinical testing. Allele origin: germline.

PreventionGenetics, part of Exact Sciences
Classification: Likely benign for RAI1-related condition. Last evaluated: 2020-01-28. Review status: no assertion criteria provided. Collection method: clinical testing. Allele origin: germline. Not counted in ClinVar's aggregate classification.
Comment: This variant is classified as likely benign based on ACMG/AMP sequence variant interpretation guidelines (Richards et al. 2015 PMID: 25741868, with internal and published modifications).

NM_030665.4(RAI1):c.4610G>A (p.Arg1537Gln)

Gene: RAI1 (retinoic acid induced 1; plus strand). Cytogenetic location: 17p11.2.
Variant type: single nucleotide variant.
Coding change: c.4610G>A on transcript NM_030665.4 (MANE Select); coding-DNA position 4610, G replaced by A.
Protein change: p.Arg1537Gln; replaces arginine 1537 with glutamine.
Molecular consequence: missense variant.
Genome position (GRCh38, 1-based): chr17:17,797,558, G>A. VCF-style: chr17-17797558-G-A. GRCh37 (hg19) VCF-style: chr17-17700872-G-A.
Other names: c.4610G>A (NM_030665.3); short protein forms R1537Q.
Identifiers: ClinVar variation 1557759 (VCV001557759.12), dbSNP rs371162534, ClinGen allele CA8418991.